The following is an entry in ClinVar:

ClinVar aggregate classification (germline): Conflicting classifications of pathogenicity. Review status: criteria provided, conflicting classifications (1 of 4 stars). 2 submissions from 2 submitters: Likely pathogenic (1); Uncertain significance (1). Last evaluated 2025-06-13.

Allele frequency attached by ClinVar (database versions not stated): gnomAD 0.00001.
gnomAD v4.1: 4 of 1,601,350 alleles (0.00025%); highest among the groups gnomAD compares: Admixed American, 0.0067%; no homozygotes.

Submissions (2):

Women's Health and Genetics/Laboratory Corporation of America, LabCorp
Classification: Uncertain significance. Last evaluated: 2025-06-13. Review status: criteria provided, single submitter. Criteria: LabCorp Variant Classification Summary - May 2015. Collection method: clinical testing. Allele origin: germline.
Comment: Variant summary: SLC26A4 c.1160C>A (p.Ala387Asp) results in a non-conservative amino acid change in the encoded protein sequence. Algorithms developed to predict the effect of missense changes on protein structure and function all suggest that this variant is likely to be disruptive. The variant allele was found at a frequency of 8e-06 in 251080 control chromosomes (gnomAD). c.1160C>A has been observed in individuals affected with Pendred Syndrome (internal data). These data indicate that the variant may be associated with disease. To our knowledge, no experimental evidence demonstrating an impact on protein function has been reported. The following publication have been ascertained in the context of this evaluation (PMID: 36472766). ClinVar contains an entry for this variant (Variation ID: 1501060). Based on the evidence outlined above, the variant was classified as VUS-possibly pathogenic.

Labcorp Genetics (formerly Invitae), Labcorp
Classification: Likely pathogenic. Last evaluated: 2022-12-08. Review status: criteria provided, single submitter. Criteria: Invitae Variant Classification Sherloc (09022015). Collection method: clinical testing. Allele origin: germline.
Comment: This variant is present in population databases (rs777333979, gnomAD 0.009%). In summary, the currently available evidence indicates that the variant is pathogenic, but additional data are needed to prove that conclusively. Therefore, this variant has been classified as Likely Pathogenic. This variant disrupts the p.Ala387 amino acid residue in SLC26A4. Other variant(s) that disrupt this residue have been determined to be pathogenic (PMID: 15933521, 22796198, 25372295). This suggests that this residue is clinically significant, and that variants that disrupt this residue are likely to be disease-causing. Advanced modeling of protein sequence and biophysical properties (such as structural, functional, and spatial information, amino acid conservation, physicochemical variation, residue mobility, and thermodynamic stability) performed at Invitae indicates that this missense variant is expected to disrupt SLC26A4 protein function. ClinVar contains an entry for this variant (Variation ID: 1501060). This missense change has been observed in individual(s) with deafness (Invitae). This sequence change replaces alanine, which is neutral and non-polar, with aspartic acid, which is acidic and polar, at codon 387 of the SLC26A4 protein (p.Ala387Asp).

Literature cited by the submitters: PubMed 36472766 (cited by Women's Health and Genetics/Laboratory Corporation of America, LabCorp); PubMed 15933521 (cited by Labcorp Genetics (formerly Invitae), Labcorp); PubMed 22796198 (cited by Labcorp Genetics (formerly Invitae), Labcorp); PubMed 25372295 (cited by Labcorp Genetics (formerly Invitae), Labcorp).

NM_000441.2(SLC26A4):c.1160C>A (p.Ala387Asp)

Gene: SLC26A4 (solute carrier family 26 member 4; plus strand). Cytogenetic location: 7q22.3.
Variant type: single nucleotide variant.
Coding change: c.1160C>A on transcript NM_000441.2 (MANE Select); coding-DNA position 1160, C replaced by A.
Protein change: p.Ala387Asp; replaces alanine 387 with aspartic acid.
Molecular consequence: missense variant.
Genome position (GRCh38, 1-based): chr7:107,690,134, C>A. VCF-style: chr7-107690134-C-A. GRCh37 (hg19) VCF-style: chr7-107330579-C-A.
Other names: short protein forms A387D.
Identifiers: ClinVar variation 1501060 (VCV001501060.11), dbSNP rs777333979, ClinGen allele CA4432712.